The following is an entry in ClinVar:

ClinVar aggregate classification (germline): Uncertain significance (1 of 4 stars; one submission).

Allele frequency attached by ClinVar (database versions not stated): gnomAD exomes below 0.00001; TOPMed below 0.00001; gnomAD 0.00001.

Submission:

GeneDx
Classification: Uncertain significance. Last evaluated: 2019-06-14. Review status: criteria provided, single submitter. Criteria: GeneDx Variant Classification Process June 2021. Collection method: clinical testing. Allele origin: germline. Affected: yes.
Comment: Not observed in large population cohorts (Lek et al., 2016); In silico analysis, which includes protein predictors and evolutionary conservation, supports a deleterious effect; Has not been previously published as pathogenic or benign to our knowledge

NM_002055.5(GFAP):c.1115G>A (p.Gly372Asp)

Genes: GFAP (glial fibrillary acidic protein; minus strand), LOC130060994 (ATAC-STARR-seq lymphoblastoid active region 12266; plus strand). Cytogenetic location: 17q21.31.
Variant type: single nucleotide variant.
Coding change: c.1115G>A on transcript NM_002055.5 (MANE Select); coding-DNA position 1115, G replaced by A.
Protein change: p.Gly372Asp; replaces glycine 372 with aspartic acid.
Molecular consequence: missense variant.
Genome position (GRCh38, 1-based): chr17:44,911,248, C>T on the plus strand (G>A on the coding strand, the complement: GFAP is on the minus strand). VCF-style: chr17-44911248-C-T. GRCh37 (hg19) VCF-style: chr17-42988616-C-T.
Other names: c.1115G>A, p.Gly372Asp (NM_001131019.3, NM_001242376.3, NM_001363846.2); short protein forms G372D.
Identifiers: ClinVar variation 1306407 (VCV001306407.2), dbSNP rs997766080, ClinGen allele CA291028407.